The following is an entry in ClinVar:

ClinVar aggregate classification (germline): Uncertain significance. Review status: criteria provided, single submitter (1 of 4 stars). 2 submissions from 2 submitters: Uncertain significance (1). 1 of the submissions does not count toward it. Last evaluated 2023-04-05.

Conditions:
Oculocutaneous albinism type 4 (OCA4). Also called: Albinism, oculocutaneous, type IV. Identifiers: Orphanet 79435, MedGen C1847836, MONDO:0011683, OMIM 606574.

gnomAD v4.1: 2 of 1,613,560 alleles (0.00012%); highest among the groups gnomAD compares: Non-Finnish European, 0.000085%; no homozygotes.

Submissions (2):

Labcorp Genetics (formerly Invitae), Labcorp
Classification: Uncertain significance. Last evaluated: 2023-04-05. Review status: criteria provided, single submitter. Criteria: Invitae Variant Classification Sherloc (09022015). Collection method: clinical testing. Allele origin: germline.
Comment: Advanced modeling of protein sequence and biophysical properties (such as structural, functional, and spatial information, amino acid conservation, physicochemical variation, residue mobility, and thermodynamic stability) performed at Invitae indicates that this missense variant is expected to disrupt SLC45A2 protein function. In summary, the available evidence is currently insufficient to determine the role of this variant in disease. Therefore, it has been classified as a Variant of Uncertain Significance. ClinVar contains an entry for this variant (Variation ID: 627610). This sequence change replaces glycine, which is neutral and non-polar, with valine, which is neutral and non-polar, at codon 64 of the SLC45A2 protein (p.Gly64Val). This variant is not present in population databases (gnomAD no frequency). This missense change has been observed in individual(s) with oculocutaneous albinism (PMID: 31229681).

Center of Medical Genetics, Central South University
Classification: Likely pathogenic for Oculocutaneous albinism type 4. Last evaluated: 2019-03-26. Review status: no assertion criteria provided. Criteria: ACMG Guidelines, 2015. Collection method: clinical testing. Allele origin: germline. Affected: yes. Not counted in ClinVar's aggregate classification.

Literature cited by the submitters: PubMed 31229681 (cited by Labcorp Genetics (formerly Invitae), Labcorp).

NM_016180.5(SLC45A2):c.191G>T (p.Gly64Val)

Gene: SLC45A2 (solute carrier family 45 member 2; minus strand). Cytogenetic location: 5p13.2.
Variant type: single nucleotide variant.
Coding change: c.191G>T on transcript NM_016180.5 (MANE Select); coding-DNA position 191, G replaced by T.
Protein change: p.Gly64Val; replaces glycine 64 with valine.
Molecular consequence: missense variant.
Genome position (GRCh38, 1-based): chr5:33,984,393, C>A on the plus strand (G>T on the coding strand, the complement: SLC45A2 is on the minus strand). VCF-style: chr5-33984393-C-A. GRCh37 (hg19) VCF-style: chr5-33984498-C-A.
Other names: c.191G>T, p.Gly64Val (NM_001012509.4, NM_001297417.4); short protein forms G64V.
Identifiers: ClinVar variation 627610 (VCV000627610.9), dbSNP rs757331566, ClinGen allele CA359397626.